The following is an entry in ClinVar:

NM_000051.4(ATM):c.8946T>C (p.Pro2982=)

Genes: ATM (ATM serine/threonine kinase; plus strand), C11orf65 (chromosome 11 open reading frame 65; minus strand). Cytogenetic location: 11q22.3.
Variant type: single nucleotide variant.
Coding change: c.8946T>C on transcript NM_000051.4 (MANE Select); coding-DNA position 8946, T replaced by C.
Protein change: p.Pro2982=; no amino-acid change (proline 2982 retained).
Molecular consequence: synonymous variant. On other transcripts: intron variant (2).
Genome position (GRCh38, 1-based): chr11:108,365,177, T>C. VCF-style: chr11-108365177-T-C. GRCh37 (hg19) VCF-style: chr11-108235904-T-C.
Other names: c.8946T>C, p.Pro2982= (NM_001351834.2); c.640+20743A>G (NM_001330368.2); c.694+20743A>G (NM_001351110.2).
Identifiers: ClinVar variation 822828 (VCV000822828.13), dbSNP rs780572651, ClinGen allele CA6266494.

ClinVar aggregate classification (germline): Benign/Likely benign. Review status: criteria provided, multiple submitters, no conflicts (2 of 4 stars). 3 submissions from 3 submitters: Benign (1); Likely benign (2). Last evaluated 2024-06-24.

Conditions:
Hereditary cancer-predisposing syndrome. Also called: Tumor predisposition; Neoplastic Syndromes, Hereditary; Hereditary Cancer Syndrome; Hereditary neoplastic syndrome. Identifiers: Orphanet 140162, MedGen C0027672, MeSH D009386, MONDO:0015356.
Familial cancer of breast. Also called: Hereditary breast cancer; BREAST CANCER, FAMILIAL; hereditary breast carcinoma. Identifiers: Orphanet 227535, MedGen C0346153, MONDO:0016419, OMIM 114480. Disease mechanism: loss of function.
Ataxia-telangiectasia syndrome (AT). Also called: ATAXIA-TELANGIECTASIA, COMPLEMENTATION GROUP A; ATAXIA-TELANGIECTASIA, FRESNO VARIANT; Ataxia-telangiectasia; Ataxia-telangiectasia, complementation group D; AT, COMPLEMENTATION GROUP C; Ataxia-telangiectasia, complementation group E. Identifiers: Orphanet 100, MedGen C0004135, MONDO:0008840, OMIM 208900.

Allele frequency attached by ClinVar (database versions not stated): TOPMed 0.00001; ExAC 0.00001.
gnomAD v4.1: 1 of 1,614,230 alleles (0.000062%); highest among the groups gnomAD compares: East Asian, 0.0022%; no homozygotes.

Submissions (3):

Myriad Genetics, Inc.
Classification: Benign for Familial cancer of breast. Last evaluated: 2024-06-24. Review status: criteria provided, single submitter. Criteria: Myriad Autosomal Dominant, Autosomal Recessive and X-Linked Classification Criteria (2023). Collection method: clinical testing. Allele origin: unknown.
Comment: This variant is considered benign. This variant is a silent/synonymous amino acid change and it is not expected to impact splicing.

Labcorp Genetics (formerly Invitae), Labcorp
Classification: Likely benign for Ataxia-telangiectasia syndrome. Last evaluated: 2022-05-24. Review status: criteria provided, single submitter. Criteria: Invitae Variant Classification Sherloc (09022015). Collection method: clinical testing. Allele origin: germline.

Ambry Genetics
Classification: Likely benign for Hereditary cancer-predisposing syndrome. Last evaluated: 2017-12-27. Review status: criteria provided, single submitter. Criteria: Ambry Variant Classification Scheme 2023. Collection method: clinical testing. Allele origin: germline.